The following is an entry in ClinVar:

NM_001330260.2(SCN8A):c.3372+6G>C

Gene: SCN8A (sodium voltage-gated channel alpha subunit 8; plus strand). Cytogenetic location: 12q13.13.
Variant type: single nucleotide variant.
Coding change: c.3372+6G>C on transcript NM_001330260.2 (MANE Select); 6 bases into the intron after coding-DNA position 3372, G replaced by C.
Molecular consequence: intron variant.
Genome position (GRCh38, 1-based): chr12:51,769,341, G>C. VCF-style: chr12-51769341-G-C. GRCh37 (hg19) VCF-style: chr12-52163125-G-C.
Other names: c.3372+6G>C (NM_014191.4, NM_001177984.3, NM_001369788.1).
Identifiers: ClinVar variation 3339281 (VCV003339281.1).

ClinVar aggregate classification (germline): Uncertain significance (1 of 4 stars; one submission).

Submission:

Women's Health and Genetics/Laboratory Corporation of America, LabCorp
Classification: Uncertain significance. Last evaluated: 2024-07-29. Review status: criteria provided, single submitter. Criteria: LabCorp Variant Classification Summary - May 2015. Collection method: clinical testing. Allele origin: germline.
Comment: Variant summary: SCN8A c.3372+6G>C alters a non-conserved nucleotide located close to a canonical splice site and therefore could affect mRNA splicing, leading to a significantly altered protein sequence. Consensus agreement among computation tools predict no significant impact on normal splicing. However, these predictions have yet to be confirmed by functional studies. The variant was absent in 215192 control chromosomes. The available data on variant occurrences in the general population are insufficient to allow any conclusion about variant significance. To our knowledge, no occurrence of c.3372+6G>C in individuals affected with Early Infantile Epileptic Encephalopathy 13 and no experimental evidence demonstrating its impact on protein function have been reported. No submitters have cited clinical-significance assessments for this variant to ClinVar. Based on the evidence outlined above, the variant was classified as uncertain significance.